The following is an entry in ClinVar:

NM_031844.3(HNRNPU):c.944G>A (p.Ser315Asn)

Gene: HNRNPU (heterogeneous nuclear ribonucleoprotein U; minus strand). Cytogenetic location: 1q44.
Variant type: single nucleotide variant.
Coding change: c.944G>A on transcript NM_031844.3 (MANE Select); coding-DNA position 944, G replaced by A.
Protein change: p.Ser315Asn; replaces serine 315 with asparagine.
Molecular consequence: missense variant.
Genome position (GRCh38, 1-based): chr1:244,860,408, C>T on the plus strand (G>A on the coding strand, the complement: HNRNPU is on the minus strand). VCF-style: chr1-244860408-C-T. GRCh37 (hg19) VCF-style: chr1-245023710-C-T.
Other names: c.887G>A, p.Ser296Asn (NM_004501.3); short protein forms S296N, S315N.
Identifiers: ClinVar variation 2626955 (VCV002626955.1), dbSNP rs1680795813, ClinGen allele CA345494169.

ClinVar aggregate classification (germline): Uncertain significance (1 of 4 stars; one submission).

Submission:

Greenwood Genetic Center Diagnostic Laboratories, Greenwood Genetic Center
Classification: Uncertain significance. Last evaluated: 2023-09-19. Review status: criteria provided, single submitter. Criteria: ACMG Guidelines, 2015. Collection method: clinical testing. Allele origin: germline. Affected: yes.
Comment: PM2, PP2